The following is an entry in ClinVar:

ClinVar aggregate classification (germline): Uncertain significance (1 of 4 stars; one submission).

Conditions:
Neuropathy, hereditary sensory and autonomic, type 1C. Also called: HSAN IC; HSN IC. Identifiers: Orphanet 36386, MedGen C3150896, MONDO:0013337, OMIM 613640.

Allele frequency attached by ClinVar (database versions not stated): gnomAD exomes below 0.00001; ExAC 0.00001.
gnomAD v4.1: 3 of 1,614,158 alleles (0.00019%); highest among the groups gnomAD compares: Admixed American, 0.0017%; no homozygotes.

Submission:

Labcorp Genetics (formerly Invitae), Labcorp
Classification: Uncertain significance for Neuropathy, hereditary sensory and autonomic, type 1C. Last evaluated: 2022-03-31. Review status: criteria provided, single submitter. Criteria: Invitae Variant Classification Sherloc (09022015). Collection method: clinical testing. Allele origin: germline.
Comment: In summary, the available evidence is currently insufficient to determine the role of this variant in disease. Therefore, it has been classified as a Variant of Uncertain Significance. Algorithms developed to predict the effect of missense changes on protein structure and function (SIFT, PolyPhen-2, Align-GVGD) all suggest that this variant is likely to be tolerated. This variant has not been reported in the literature in individuals affected with SPTLC2-related conditions. This variant is present in population databases (rs767761435, gnomAD 0.003%). This sequence change replaces isoleucine, which is neutral and non-polar, with valine, which is neutral and non-polar, at codon 167 of the SPTLC2 protein (p.Ile167Val).

NM_004863.4(SPTLC2):c.499A>G (p.Ile167Val)

Gene: SPTLC2 (serine palmitoyltransferase long chain base subunit 2; minus strand). Cytogenetic location: 14q24.3.
Variant type: single nucleotide variant.
Coding change: c.499A>G on transcript NM_004863.4 (MANE Select); coding-DNA position 499, A replaced by G.
Protein change: p.Ile167Val; replaces isoleucine 167 with valine.
Molecular consequence: missense variant.
Genome position (GRCh38, 1-based): chr14:77,576,899, T>C on the plus strand (A>G on the coding strand, the complement: SPTLC2 is on the minus strand). VCF-style: chr14-77576899-T-C. GRCh37 (hg19) VCF-style: chr14-78043242-T-C.
Other names: short protein forms I167V.
Identifiers: ClinVar variation 1987712 (VCV001987712.4), dbSNP rs767761435, ClinGen allele CA7289431.